The following is an entry in ClinVar:

ClinVar aggregate classification (germline): Uncertain significance. Review status: criteria provided, multiple submitters, no conflicts (2 of 4 stars). 2 submissions from 2 submitters: Uncertain significance (2). Last evaluated 2023-03-15.

Conditions:
Wilson disease (WND). Also called: Wilson's disease. Identifiers: Orphanet 905, MedGen C0019202, MONDO:0010200, OMIM 277900. Disease mechanism: loss of function.

Allele frequency attached by ClinVar (database versions not stated): gnomAD exomes below 0.00001; ExAC 0.00002.
gnomAD v4.1: 6 of 1,614,222 alleles (0.00037%); highest among the groups gnomAD compares: Admixed American, 0.0067%; no homozygotes.

Submissions (2):

Mayo Clinic Laboratories, Mayo Clinic
Classification: Uncertain significance. Last evaluated: 2023-03-15. Review status: criteria provided, single submitter. Criteria: ACMG Guidelines, 2015. Collection method: clinical testing. Allele origin: germline. Observed: 1 variant allele.
Comment: PP3, PM2

Labcorp Genetics (formerly Invitae), Labcorp
Classification: Uncertain significance for Wilson disease. Last evaluated: 2022-06-05. Review status: criteria provided, single submitter. Criteria: Invitae Variant Classification Sherloc (09022015). Collection method: clinical testing. Allele origin: germline.
Comment: This sequence change falls in intron 16 of the ATP7B gene. It does not directly change the encoded amino acid sequence of the ATP7B protein. It affects a nucleotide within the consensus splice site. This variant is present in population databases (rs763671539, gnomAD 0.01%). This variant has not been reported in the literature in individuals affected with ATP7B-related conditions. Variants that disrupt the consensus splice site are a relatively common cause of aberrant splicing (PMID: 17576681, 9536098). Algorithms developed to predict the effect of sequence changes on RNA splicing suggest that this variant may disrupt the consensus splice site. In summary, the available evidence is currently insufficient to determine the role of this variant in disease. Therefore, it has been classified as a Variant of Uncertain Significance.

Literature cited by the submitters: PubMed 17576681 (cited by Labcorp Genetics (formerly Invitae), Labcorp); PubMed 9536098 (cited by Labcorp Genetics (formerly Invitae), Labcorp).

NM_000053.4(ATP7B):c.3556+3A>G

Gene: ATP7B (ATPase copper transporting beta; minus strand). Cytogenetic location: 13q14.3.
Variant type: single nucleotide variant.
Coding change: c.3556+3A>G on transcript NM_000053.4 (MANE Select); 3 bases into the intron after coding-DNA position 3556, A replaced by G.
Molecular consequence: intron variant.
Genome position (GRCh38, 1-based): chr13:51,941,078, T>C on the plus strand (A>G on the coding strand, the complement: ATP7B is on the minus strand). VCF-style: chr13-51941078-T-C. GRCh37 (hg19) VCF-style: chr13-52515214-T-C.
Other names: c.3223+3A>G (NM_001243182.2); c.2935+3A>G (NM_001005918.3); c.3304+3A>G (NM_001330579.2); c.3322+3A>G (NM_001330578.2).
Identifiers: ClinVar variation 1955548 (VCV001955548.3), dbSNP rs763671539, ClinGen allele CA6988662.